The following is an entry in ClinVar:

ClinVar aggregate classification (germline): Conflicting classifications of pathogenicity. Review status: criteria provided, conflicting classifications (1 of 4 stars). 2 submissions from 2 submitters: Pathogenic (1); Uncertain significance (1). Last evaluated 2022-04-16.

Conditions:
Coffin-Siris syndrome 1 (CSS1). Also called: ARID1B-Related Coffin-Siris Syndrome; Mental retardation, autosomal dominant 12. Identifiers: Orphanet 1465, MedGen C3281201, MONDO:0007617, OMIM 135900. Disease mechanism: gain of function.

Submissions (2):

Labcorp Genetics (formerly Invitae), Labcorp
Classification: Pathogenic. Last evaluated: 2022-04-16. Review status: criteria provided, single submitter. Criteria: Invitae Variant Classification Sherloc (09022015). Collection method: clinical testing. Allele origin: germline.
Comment: This variant has not been reported in the literature in individuals affected with ARID1B-related conditions. For these reasons, this variant has been classified as Pathogenic. ClinVar contains an entry for this variant (Variation ID: 976101). This variant is not present in population databases (gnomAD no frequency). This sequence change creates a premature translational stop signal (p.Ser497Valfs*5) in the ARID1B gene. It is expected to result in an absent or disrupted protein product. Loss-of-function variants in ARID1B are known to be pathogenic (PMID: 25674384, 30349098).

Institute of Human Genetics, University of Leipzig Medical Center
Classification: Uncertain significance for Coffin-Siris syndrome 1. Last evaluated: 2017-08-23. Review status: criteria provided, single submitter. Criteria: ACMG Guidelines, 2015. Collection method: clinical testing. Allele origin: germline. Affected: yes. Observed: 1 variant allele.

Literature cited by the submitters: PubMed 25674384 (cited by Labcorp Genetics (formerly Invitae), Labcorp); PubMed 30349098 (cited by Labcorp Genetics (formerly Invitae), Labcorp).

NM_001374828.1(ARID1B):c.1737del (p.Ser580fs)

Gene: ARID1B (AT-rich interaction domain 1B; plus strand). Cytogenetic location: 6q25.3.
Variant type: Deletion.
Coding change: c.1737del on transcript NM_001374828.1 (MANE Select); coding-DNA position 1737, one base deleted (G; older notation c.1737delG).
Protein change: p.Ser580fs; shifts the reading frame from serine 580.
Molecular consequence: frameshift variant.
Genome position (GRCh38, 1-based): chr6:156,779,417, G deleted; the last of 2 consecutive G bases (chr6:156,779,416-156,779,417); deleting either gives the same sequence. VCF-style (leftmost placement, unchanged base first): chr6-156779415-AG-A. GRCh37 (hg19) VCF-style: chr6-157100549-AG-A.
Other names: c.1737del, p.Ser580fs (NM_001371656.1, NM_001374820.1, NM_017519.3); c.1488del (NM_020732.3); short protein forms S580fs.
Identifiers: ClinVar variation 976101 (VCV000976101.6), dbSNP rs1779022643, ClinGen allele CA1139659882.